The following is an entry in ClinVar:

ClinVar aggregate classification (germline): Uncertain significance. Review status: criteria provided, multiple submitters, no conflicts (2 of 4 stars). 2 submissions from 2 submitters: Uncertain significance (2). Last evaluated 2022-11-23.

Conditions:
Mucopolysaccharidosis type 1. Also called: IDUA deficiency; MPS I; Mucopolysaccharidosis Type I. Identifiers: Orphanet 579, MedGen C0023786, MONDO:0001586.

Submissions (2):

Labcorp Genetics (formerly Invitae), Labcorp
Classification: Uncertain significance for Mucopolysaccharidosis type 1. Last evaluated: 2022-11-23. Review status: criteria provided, single submitter. Criteria: Invitae Variant Classification Sherloc (09022015). Collection method: clinical testing. Allele origin: germline.
Comment: This sequence change replaces asparagine, which is neutral and polar, with serine, which is neutral and polar, at codon 415 of the IDUA protein (p.Asn415Ser). In summary, the available evidence is currently insufficient to determine the role of this variant in disease. Therefore, it has been classified as a Variant of Uncertain Significance. Algorithms developed to predict the effect of missense changes on protein structure and function output the following: SIFT: "Tolerated"; PolyPhen-2: "Benign"; Align-GVGD: "Class C0". The serine amino acid residue is found in multiple mammalian species, which suggests that this missense change does not adversely affect protein function. This variant has not been reported in the literature in individuals affected with IDUA-related conditions. This variant is not present in population databases (gnomAD no frequency).

Revvity Omics, Revvity
Classification: Uncertain significance. Last evaluated: 2022-10-31. Review status: criteria provided, single submitter. Criteria: ACMG Guidelines, 2015. Collection method: clinical testing. Allele origin: germline.

NM_000203.5(IDUA):c.1244A>G (p.Asn415Ser)

Gene: IDUA (alpha-L-iduronidase; plus strand). Cytogenetic location: 4p16.3.
Variant type: single nucleotide variant.
Coding change: c.1244A>G on transcript NM_000203.5 (MANE Select); coding-DNA position 1244, A replaced by G.
Protein change: p.Asn415Ser; replaces asparagine 415 with serine.
Molecular consequence: missense variant. On other transcripts: non-coding transcript variant (1).
Genome position (GRCh38, 1-based): chr4:1,002,786, A>G. VCF-style: chr4-1002786-A-G. GRCh37 (hg19) VCF-style: chr4-996574-A-G.
Other names: c.848A>G, p.Asn283Ser (NM_001363576.1); short protein forms N283S, N415S.
Identifiers: ClinVar variation 2432778 (VCV002432778.6), dbSNP rs2534092636, ClinGen allele CA355963659.